The following is an entry in ClinVar:

NM_022835.3(PLEKHG2):c.3956C>T (p.Pro1319Leu)

Gene: PLEKHG2 (pleckstrin homology and RhoGEF domain containing G2; plus strand). Cytogenetic location: 19q13.2.
Variant type: single nucleotide variant.
Coding change: c.3956C>T on transcript NM_022835.3 (MANE Select); coding-DNA position 3956, C replaced by T.
Protein change: p.Pro1319Leu; replaces proline 1319 with leucine.
Molecular consequence: missense variant. On other transcripts: intron variant (2).
Genome position (GRCh38, 1-based): chr19:39,425,089, C>T. VCF-style: chr19-39425089-C-T. GRCh37 (hg19) VCF-style: chr19-39915729-C-T.
Other names: c.3573-149C>T (NM_001351693.2); c.1678-149C>T (NM_001351694.2); short protein forms P1319L.
Identifiers: ClinVar variation 2071260 (VCV002071260.4), dbSNP rs765792959, ClinGen allele CA9430095.

ClinVar aggregate classification (germline): Uncertain significance (1 of 4 stars; one submission).

Allele frequency attached by ClinVar (database versions not stated): ExAC 0.00012; gnomAD exomes 0.00013; TOPMed 0.00008; gnomAD 0.00007.
gnomAD v4.1: 193 of 1,589,000 alleles (0.012%); highest among the groups gnomAD compares: South Asian, 0.022%; no homozygotes.

Submission:

Labcorp Genetics (formerly Invitae), Labcorp
Classification: Uncertain significance. Last evaluated: 2024-08-13. Review status: criteria provided, single submitter. Criteria: Invitae Variant Classification Sherloc (09022015). Collection method: clinical testing. Allele origin: germline.
Comment: This sequence change replaces proline, which is neutral and non-polar, with leucine, which is neutral and non-polar, at codon 1319 of the PLEKHG2 protein (p.Pro1319Leu). This variant is present in population databases (rs765792959, gnomAD 0.02%). This variant has not been reported in the literature in individuals affected with PLEKHG2-related conditions. ClinVar contains an entry for this variant (Variation ID: 2071260). An algorithm developed to predict the effect of missense changes on protein structure and function (PolyPhen-2) suggests that this variant is likely to be disruptive. In summary, the available evidence is currently insufficient to determine the role of this variant in disease. Therefore, it has been classified as a Variant of Uncertain Significance.